The following is an entry in ClinVar:

ClinVar aggregate classification (germline): Pathogenic. Review status: criteria provided, multiple submitters, no conflicts (2 of 4 stars). 6 submissions from 6 submitters: Pathogenic (5). 1 of the submissions does not count toward it. Last evaluated 2025-03-23.

Conditions:
Generalized epilepsy with febrile seizures plus, type 2 (GEFSP2). Also called: GEFS+, TYPE 2. Identifiers: Orphanet 36387, MedGen C1858673, MONDO:0011461, OMIM 604403.
Migraine, familial hemiplegic, 3. Identifiers: Orphanet 569, MedGen C1864987, MONDO:0012320, OMIM 609634.
Severe myoclonic epilepsy in infancy (DRVT). Also called: Epileptic encephalopathy, early infantile, 6 (Dravet syndrome); Dravet syndrome; Severe Myoclonic Epilepsy in Infancy (SMEI); SEVERE MYOCLONIC EPILEPSY OF INFANCY; DEVELOPMENTAL AND EPILEPTIC ENCEPHALOPATHY 6A. Identifiers: Orphanet 33069, MedGen C0751122, MONDO:0100135, OMIM 607208.
Autosomal dominant SCN1A-related disorders.
Early-infantile DEE. Also called: Ohtahara syndrome; Early infantile epileptic encephalopathy with suppression bursts; Early infantile epileptic encephalopathy. Identifiers: Orphanet 1934, MedGen C0393706, MONDO:0800491.

Submissions (6):

Variantyx, Inc.
Classification: Pathogenic for Autosomal dominant SCN1A-related disorders. Last evaluated: 2025-03-23. Review status: criteria provided, single submitter. Criteria: Variantyx Assertion Criteria 2022. Collection method: clinical testing. Allele origin: de novo. Affected: yes.
Comment: This is a nonsynonymous variant in the SCN1A gene (OMIM: 182389). Pathogenic variants in this gene have been associated with autosomal dominant SCN1A-related disorders. This variant has been reported in at least 2 unrelated affected individual(s) (PMID: 22409937, 28202706) (PS4_Moderate). Multiple computational algorithms predict a deleterious effect for this variant (REVEL score: 0.655) (PP3). This variant is absent from control populations (PM2_Supporting). Based on the current evidence, this variant is classified as pathogenic for autosomal dominant SCN1A-related disorders.

GeneDx
Classification: Pathogenic. Last evaluated: 2024-09-25. Review status: criteria provided, single submitter. Criteria: GeneDx Variant Classification Process June 2021. Collection method: clinical testing. Allele origin: germline. Affected: yes.
Comment: Not observed at significant frequency in large population cohorts (gnomAD); This substitution is predicted to be within the transmembrane segment S1 of the fourth homologous domain; In silico analysis supports that this missense variant has a deleterious effect on protein structure/function; In silico analysis indicates that this missense variant does not alter protein structure/function; This variant is associated with the following publications: (PMID: 22409937, 17347258, 35074891, 39033378, 31440721, 30619928, 28202706, 32371413)

Broad Center for Mendelian Genomics, Broad Institute of MIT and Harvard
Classification: Pathogenic for Severe myoclonic epilepsy in infancy. Last evaluated: 2024-03-13. Review status: criteria provided, single submitter. Criteria: ACMG Guidelines, 2015. Collection method: curation. Allele origin: germline. Inheritance: Autosomal dominant inheritance.
Comment: Trio genome analysis showed this variant to be de novo. We believe this is a possible phenotype expansion for SCN1A-related epilepsy. The p.Ile1545Val variant in SCN1A has been previously reported in at least 6 individuals with SCN1A-related epilepsy (PMID: 30619928, PMID: 28202706, PMID: 17347258, PMID: 32371413, PMID: 31440721, ClinVar Accession SCV001423679.1). The number of reported affected individuals with this variant is slightly greater than expected compared to non-affected individuals with this variant. This variant was found to be de novo in 4 individuals with confirmed paternity and maternity (PMID: 30619928, PMID: 17347258, PMID: 32371413, ClinVar Accession SCV001423679.1). The p.Ile1545Val variant is located in a region of SCN1A that is essential to ion transport, suggesting that this variant is in a functional domain and slightly supports pathogenicity (PMID: 21248271). This variant was absent from large population studies. The number of missense variants reported in SCN1A in the general population is lower than expected, suggesting there is little benign variation in this gene and slightly increasing the possibility that a missense variant in this gene may not be tolerated. This variant has also been reported in ClinVar (Variation ID: 68551) and has been interpreted as pathogenic by Institute for Genomic Medicine (IGM) Clinical Laboratory,Nationwide Children's Hospital and Invitae. Computational prediction tools and conservation analyses do not provide strong support for or against an impact to the protein. In summary, this variant meets criteria to be classified as pathogenic for autosomal dominant SCN1A-related epilepsy. ACMG/AMP Criteria applied: PS2_VeryStrong, PS4_Moderate, PM1_Supporting, PM2_Supporting, PP2 (Richards 2015).

Labcorp Genetics (formerly Invitae), Labcorp
Classification: Pathogenic for Early-infantile DEE. Last evaluated: 2023-03-04. Review status: criteria provided, single submitter. Criteria: Invitae Variant Classification Sherloc (09022015). Collection method: clinical testing. Allele origin: germline.
Comment: This sequence change replaces isoleucine, which is neutral and non-polar, with valine, which is neutral and non-polar, at codon 1545 of the SCN1A protein (p.Ile1545Val). This variant is not present in population databases (gnomAD no frequency). This missense change has been observed in individual(s) with SCN1A-related conditions (PMID: 17347258, 28202706, 30619928). In at least one individual the variant was observed to be de novo. ClinVar contains an entry for this variant (Variation ID: 68551). Advanced modeling of protein sequence and biophysical properties (such as structural, functional, and spatial information, amino acid conservation, physicochemical variation, residue mobility, and thermodynamic stability) performed at Invitae indicates that this missense variant is expected to disrupt SCN1A protein function. Algorithms developed to predict the effect of sequence changes on RNA splicing suggest that this variant may create or strengthen a splice site. For these reasons, this variant has been classified as Pathogenic.

Institute for Genomic Medicine (IGM) Clinical Laboratory, Nationwide Children's Hospital
Classification: Pathogenic for Generalized epilepsy with febrile seizures plus, type 2; Severe myoclonic epilepsy in infancy; Migraine, familial hemiplegic, 3. Last evaluated: 2018-11-30. Review status: criteria provided, single submitter. Criteria: ACMG Guidelines, 2015. Collection method: clinical testing. Allele origin: germline. Affected: yes.
Comment: [ACMG/AMP: PS2, PM1, PM2, PP2, PP3] This alteration is de novo in origin as it was not detected in the submitted parental specimens (identity confirmed) [PS2], is located in a mutational hotspot and/or critical and well-established functional domain [PM1], is absent from or rarely observed in large-scale population databases [PM2], is a missense variant in a gene in which missense variants are a common mechanism of disease [PP2], is predicted to be damaging by multiple functional prediction tools [PP3].

UniProtKB/Swiss-Prot
No classification provided. Condition: Severe myoclonic epilepsy in infancy. Review status: no classification provided. Collection method: not provided. Allele origin: unknown. Not counted in ClinVar's aggregate classification.

Literature cited by the submitters: PubMed 39033378 (cited by Broad Center for Mendelian Genomics, Broad Institute of MIT and Harvard); PubMed 17347258 (cited by Labcorp Genetics (formerly Invitae), Labcorp); PubMed 28202706 (cited by Labcorp Genetics (formerly Invitae), Labcorp); PubMed 30619928 (cited by Labcorp Genetics (formerly Invitae), Labcorp).

NM_001165963.4(SCN1A):c.4633A>G (p.Ile1545Val)

Genes: SCN1A (sodium voltage-gated channel alpha subunit 1; minus strand), LOC102724058 (uncharacterized LOC102724058; plus strand). Cytogenetic location: 2q24.3.
Variant type: single nucleotide variant.
Coding change: c.4633A>G on transcript NM_001165963.4 (MANE Select); coding-DNA position 4633, A replaced by G.
Protein change: p.Ile1545Val; replaces isoleucine 1545 with valine.
Molecular consequence: missense variant. On other transcripts: non-coding transcript variant (1).
Genome position (GRCh38, 1-based): chr2:165,994,365, T>C on the plus strand (A>G on the coding strand, the complement: SCN1A is on the minus strand). VCF-style: chr2-165994365-T-C. GRCh37 (hg19) VCF-style: chr2-166850875-T-C.
Other names: NM_001165963.4(SCN1A):c.4633A>G; c.4549A>G, p.Ile1517Val (NM_001165964.3, NM_001353957.2, NM_001353958.2); c.4633A>G, p.Ile1545Val (NM_001202435.3, NM_001353948.2); c.4600A>G, p.Ile1534Val (NM_001353949.2, NM_001353950.2, NM_001353951.2 and 2 more transcripts); c.4597A>G, p.Ile1533Val (NM_001353954.2, NM_001353955.2); c.4546A>G, p.Ile1516Val (NM_001353960.2); c.2191A>G, p.Ile731Val (NM_001353961.2); short protein forms I1534V, I1545V, I1533V, I731V, I1516V, I1517V.
Identifiers: ClinVar variation 68551 (VCV000068551.16), dbSNP rs121917975, ClinGen allele CA284976.